The following is an entry in ClinVar:

ClinVar aggregate classification (germline): Uncertain significance (0 of 4 stars; one submission).

Conditions:
KCNJ11-related disorder. Also called: KCNJ11-related disorders; KCNJ11-related condition.

Submission:

PreventionGenetics, part of Exact Sciences
Classification: Uncertain significance for KCNJ11-related condition. Last evaluated: 2023-12-06. Review status: no assertion criteria provided. Collection method: clinical testing. Allele origin: germline.
Comment: The KCNJ11 c.1091C>T variant is predicted to result in the amino acid substitution p.Ala364Val. To our knowledge, this variant has not been reported in the literature or in a large population database, indicating this variant is rare. At this time, the clinical significance of this variant is uncertain due to the absence of conclusive functional and genetic evidence.

NM_000525.4(KCNJ11):c.1091C>T (p.Ala364Val)

Gene: KCNJ11 (potassium inwardly rectifying channel subfamily J member 11; minus strand). Cytogenetic location: 11p15.1.
Variant type: single nucleotide variant.
Coding change: c.1091C>T on transcript NM_000525.4 (MANE Select); coding-DNA position 1091, C replaced by T.
Protein change: p.Ala364Val; replaces alanine 364 with valine.
Molecular consequence: missense variant.
Genome position (GRCh38, 1-based): chr11:17,387,001, G>A on the plus strand (C>T on the coding strand, the complement: KCNJ11 is on the minus strand). VCF-style: chr11-17387001-G-A. GRCh37 (hg19) VCF-style: chr11-17408548-G-A.
Other names: c.830C>T, p.Ala277Val (NM_001166290.2, NM_001377296.1, NM_001377297.1); short protein forms A277V, A364V.
Identifiers: ClinVar variation 3055416 (VCV003055416.2), dbSNP rs1953569137, ClinGen allele CA379769266.